The following is an entry in ClinVar:

NM_000260.4(MYO7A):c.931A>C (p.Thr311Pro)

Gene: MYO7A (myosin VIIA; plus strand). Cytogenetic location: 11q13.5.
Variant type: single nucleotide variant.
Coding change: c.931A>C on transcript NM_000260.4 (MANE Select); coding-DNA position 931, A replaced by C.
Protein change: p.Thr311Pro; replaces threonine 311 with proline.
Molecular consequence: missense variant.
Genome position (GRCh38, 1-based): chr11:77,158,358, A>C. VCF-style: chr11-77158358-A-C. GRCh37 (hg19) VCF-style: chr11-76869404-A-C.
Other names: c.931A>C, p.Thr311Pro (NM_001127180.2); c.898A>C, p.Thr300Pro (NM_001369365.1); short protein forms T311P, T300P.
Identifiers: ClinVar variation 4776702 (VCV004776702.1).

ClinVar aggregate classification (germline): Uncertain significance (1 of 4 stars; one submission).

gnomAD v4.1: 2 of 1,613,404 alleles (0.00012%); highest among the groups gnomAD compares: East Asian, 0.0045%; no homozygotes.

Submission:

Labcorp Genetics (formerly Invitae), Labcorp
Classification: Uncertain significance. Last evaluated: 2025-03-12. Review status: criteria provided, single submitter. Criteria: Invitae Variant Classification Sherloc (09022015). Collection method: clinical testing. Allele origin: germline.
Comment: This sequence change replaces threonine, which is neutral and polar, with proline, which is neutral and non-polar, at codon 311 of the MYO7A protein (p.Thr311Pro). This variant is present in population databases (no rsID available, gnomAD 0.006%). This variant has not been reported in the literature in individuals affected with MYO7A-related conditions. Invitae Evidence Modeling of protein sequence and biophysical properties (such as structural, functional, and spatial information, amino acid conservation, physicochemical variation, residue mobility, and thermodynamic stability) indicates that this missense variant is not expected to disrupt MYO7A protein function with a negative predictive value of 95%. In summary, the available evidence is currently insufficient to determine the role of this variant in disease. Therefore, it has been classified as a Variant of Uncertain Significance.